The following is an entry in ClinVar:

ClinVar aggregate classification (germline): Pathogenic (1 of 4 stars; one submission).

Conditions:
Familial thoracic aortic aneurysm and aortic dissection (TAAD). Also called: Thoracic aortic aneurysms and dissections. Identifiers: Orphanet 91387, MedGen C4707243, MONDO:0019625.

Submission:

Ambry Genetics
Classification: Pathogenic for Familial thoracic aortic aneurysm and aortic dissection. Last evaluated: 2015-09-07. Review status: criteria provided, single submitter. Criteria: Ambry Variant Classification Scheme 2023. Collection method: clinical testing. Allele origin: germline.
Comment: The c.595delC pathogenic mutation, located in coding exon 6 of the FBN1 gene, results from a deletion of one nucleotide at nucleotide position 595, causing a translational frameshift with a predicted alternate stop codon (p.L199Sfs*131). Since frameshifts are typically deleterious in nature, this alteration is interpreted as a disease-causing mutation (ACMG Recommendations for Standards for Interpretation and Reporting of Sequence Variations. Revision 2007. Genet Med. 2008;10:294).

NM_000138.5(FBN1):c.595del (p.Leu199fs)

Gene: FBN1 (fibrillin 1; minus strand). Cytogenetic location: 15q21.1.
Variant type: Deletion.
Coding change: c.595del on transcript NM_000138.5 (MANE Select); coding-DNA position 595, one base deleted (C; older notation c.595delC).
Protein change: p.Leu199fs; shifts the reading frame from leucine 199.
Molecular consequence: frameshift variant.
Genome position (GRCh38, 1-based): chr15:48,537,752, G deleted on the plus strand (C on the coding strand, the reverse complement: FBN1 is on the minus strand). VCF-style (leftmost placement, unchanged base first): chr15-48537751-AG-A. GRCh37 (hg19) VCF-style: chr15-48829948-AG-A.
Other names: c.595delC, p.Leu199Serfs (NM_001406716.1, NM_001406717.1); short protein forms L199fs.
Identifiers: ClinVar variation 1750724 (VCV001750724.2), dbSNP rs2505661537, ClinGen allele CA2580089614.